The following is an entry in ClinVar:

ClinVar aggregate classification (germline): Likely benign. Review status: criteria provided, multiple submitters, no conflicts (2 of 4 stars). 3 submissions from 3 submitters: Likely benign (3). Last evaluated 2025-03-25.

Conditions:
DGAT1-related disorder. Also called: DGAT1-related condition.

Allele frequency attached by ClinVar (database versions not stated): gnomAD 0.00001; TOPMed 0.00003.
gnomAD v4.1: 18 of 1,554,602 alleles (0.0012%); highest among the groups gnomAD compares: South Asian, 0.0048%; no homozygotes.

Submissions (3):

PreventionGenetics, part of Exact Sciences
Classification: Likely benign for DGAT1-related condition. Last evaluated: 2025-03-25. Review status: criteria provided, single submitter. Criteria: ACMG Guidelines, 2015. Collection method: clinical testing. Allele origin: germline.
Comment: This variant is classified as likely benign based on ACMG/AMP sequence variant interpretation guidelines (Richards et al. 2015 PMID: 25741868, with internal and published modifications).

Labcorp Genetics (formerly Invitae), Labcorp
Classification: Likely benign. Last evaluated: 2024-12-24. Review status: criteria provided, single submitter. Criteria: Invitae Variant Classification Sherloc (09022015). Collection method: clinical testing. Allele origin: germline.

Blueprint Genetics
Classification: Likely benign. Last evaluated: 2023-07-18. Review status: criteria provided, single submitter. Criteria: ACMG Guidelines, 2015. Collection method: clinical testing. Allele origin: germline.

NM_012079.6(DGAT1):c.714G>A (p.Pro238=)

Gene: DGAT1 (diacylglycerol O-acyltransferase 1; minus strand). Cytogenetic location: 8q24.3.
Variant type: single nucleotide variant.
Coding change: c.714G>A on transcript NM_012079.6 (MANE Select); coding-DNA position 714, G replaced by A.
Protein change: p.Pro238=; no amino-acid change (proline 238 retained).
Molecular consequence: synonymous variant.
Genome position (GRCh38, 1-based): chr8:144,318,132, C>T on the plus strand (G>A on the coding strand, the complement: DGAT1 is on the minus strand). VCF-style: chr8-144318132-C-T. GRCh37 (hg19) VCF-style: chr8-145541795-C-T.
Other names: c.714G>A (NM_012079.5).
Identifiers: ClinVar variation 2969299 (VCV002969299.5), dbSNP rs1318588945, ClinGen allele CA463547570.